The following is an entry in ClinVar:

ClinVar aggregate classification (germline): Uncertain significance (1 of 4 stars; one submission).

Allele frequency attached by ClinVar (database versions not stated): gnomAD 0.00001; TOPMed 0.00001; gnomAD exomes below 0.00001.
gnomAD v4.1: 7 of 1,545,296 alleles (0.00045%); highest among the groups gnomAD compares: Admixed American, 0.0059%; no homozygotes.

Submission:

Labcorp Genetics (formerly Invitae), Labcorp
Classification: Uncertain significance for Combined immunodeficiency due to DOCK8 deficiency. Last evaluated: 2022-10-13. Review status: criteria provided, single submitter. Criteria: Invitae Variant Classification Sherloc (09022015). Collection method: clinical testing. Allele origin: germline.
Comment: Algorithms developed to predict the effect of missense changes on protein structure and function are either unavailable or do not agree on the potential impact of this missense change (SIFT: "Deleterious"; PolyPhen-2: "Probably Damaging"; Align-GVGD: "Class C0"). This variant has not been reported in the literature in individuals affected with DOCK8-related conditions. This variant is present in population databases (no rsID available, gnomAD 0.01%). This sequence change replaces serine, which is neutral and polar, with phenylalanine, which is neutral and non-polar, at codon 20 of the DOCK8 protein (p.Ser20Phe). In summary, the available evidence is currently insufficient to determine the role of this variant in disease. Therefore, it has been classified as a Variant of Uncertain Significance.

NM_203447.4(DOCK8):c.59C>T (p.Ser20Phe)

Gene: DOCK8 (dedicator of cytokinesis 8; plus strand). Cytogenetic location: 9p24.3.
Variant type: single nucleotide variant.
Coding change: c.59C>T on transcript NM_203447.4 (MANE Select); coding-DNA position 59, C replaced by T.
Protein change: p.Ser20Phe; replaces serine 20 with phenylalanine.
Molecular consequence: missense variant.
Genome position (GRCh38, 1-based): chr9:271,632, C>T. VCF-style: chr9-271632-C-T. GRCh37 (hg19) VCF-style: chr9-271632-C-T.
Other names: short protein forms S20F.
Identifiers: ClinVar variation 1926123 (VCV001926123.4), dbSNP rs1363190971, ClinGen allele CA372752188.
Genomic context (GRCh38, chr9:271,632, plus strand): 5'-TGTGATGATTTCCTAAAATAATCATTTCATTTAGATTTTTCTATTTTAATCCAAGGTATT[C>T]TTCAGCGGAAATAAGGAAACAGTTTACTCTCCCACCAAACCTTGGCCAGTACCATCGACA-3'
Protein context (NP_982272.2, residues 10-30): RAFALKINRY[Ser20Phe]SAEIRKQFTL